The following is an entry in ClinVar:

ClinVar aggregate classification (germline): Uncertain significance (1 of 4 stars; one submission).

Conditions:
Congenital myasthenic syndrome 8. Also called: MYASTHENIC SYNDROME, CONGENITAL, DUE TO AGRIN DEFICIENCY; Myasthenic syndrome, congenital, 8, with pre- and postsynaptic defects. Identifiers: Orphanet 590, MedGen C3808739, MONDO:0014052, OMIM 615120.

Allele frequency attached by ClinVar (database versions not stated): gnomAD 0.00001 and 0.00002; ExAC 0.00002; gnomAD exomes 0.00002; TOPMed 0.00002; ESP Exome Variant Server 0.00008.
gnomAD v4.1: 36 of 1,613,014 alleles (0.0022%); highest among the groups gnomAD compares: Non-Finnish European, 0.0029%; no homozygotes.

Submission:

Labcorp Genetics (formerly Invitae), Labcorp
Classification: Uncertain significance for Congenital myasthenic syndrome 8. Last evaluated: 2023-08-17. Review status: criteria provided, single submitter. Criteria: Invitae Variant Classification Sherloc (09022015). Collection method: clinical testing. Allele origin: germline.
Comment: In summary, the available evidence is currently insufficient to determine the role of this variant in disease. Therefore, it has been classified as a Variant of Uncertain Significance. An algorithm developed to predict the effect of missense changes on protein structure and function (PolyPhen-2) suggests that this variant is likely to be disruptive. This variant is present in population databases (rs145341123, gnomAD 0.003%). ClinVar contains an entry for this variant (Variation ID: 1005553). This variant has not been reported in the literature in individuals affected with AGRN-related conditions. This sequence change replaces proline, which is neutral and non-polar, with histidine, which is basic and polar, at codon 1635 of the AGRN protein (p.Pro1635His).

NM_198576.4(AGRN):c.4904C>A (p.Pro1635His)

Gene: AGRN (agrin; plus strand). Cytogenetic location: 1p36.33.
Variant type: single nucleotide variant.
Coding change: c.4904C>A on transcript NM_198576.4 (MANE Select); coding-DNA position 4904, C replaced by A.
Protein change: p.Pro1635His; replaces proline 1635 with histidine.
Molecular consequence: missense variant.
Genome position (GRCh38, 1-based): chr1:1,050,257, C>A. VCF-style: chr1-1050257-C-A. GRCh37 (hg19) VCF-style: chr1-985637-C-A.
Other names: c.4904C>A, p.Pro1635His (NM_001305275.2); c.4589C>A, p.Pro1530His (NM_001364727.2); short protein forms P1530H, P1635H.
Identifiers: ClinVar variation 1005553 (VCV001005553.6), dbSNP rs145341123, ClinGen allele CA509761.